The following is an entry in ClinVar:

ClinVar aggregate classification (germline): Conflicting classifications of pathogenicity. Review status: criteria provided, conflicting classifications (1 of 4 stars). 3 submissions from 3 submitters: Uncertain significance (1); Benign (1); Likely benign (1). Last evaluated 2026-05-27.

Conditions:
Familial encephalopathy with neuroserpin inclusion bodies. Also called: ENCEPHALOPATHY, FAMILIAL, WITH COLLINS BODIES. Identifiers: Orphanet 85110, MedGen C1858680, MONDO:0011412, OMIM 604218.
SERPINI1-related disorder. Also called: SERPINI1-related condition.

Allele frequency attached by ClinVar (database versions not stated): gnomAD 0.00003; TOPMed 0.00007; ExAC 0.00018; gnomAD exomes 0.00019.
gnomAD v4.1: 56 of 1,613,818 alleles (0.0035%); highest among the groups gnomAD compares: Admixed American, 0.093%; no homozygotes.

Submissions (3):

PreventionGenetics, part of Exact Sciences
Classification: Uncertain significance for SERPINI1-related condition. Last evaluated: 2026-05-27. Review status: criteria provided, single submitter. Criteria: ACMG Guidelines, 2015. Collection method: clinical testing. Allele origin: germline.
Comment: The SERPINI1 c.404C>T variant is predicted to result in the amino acid substitution p.Ala135Val. To our knowledge, this variant has not been reported in the literature. This variant is reported in 0.14% of alleles in individuals of Latino descent in gnomAD. Although we suspect that this variant may be benign, at this time, the clinical significance of this variant is uncertain due to the absence of conclusive functional and genetic evidence.

Labcorp Genetics (formerly Invitae), Labcorp
Classification: Likely benign for Familial encephalopathy with neuroserpin inclusion bodies. Last evaluated: 2025-08-02. Review status: criteria provided, single submitter. Criteria: Invitae Variant Classification Sherloc (09022015). Collection method: clinical testing. Allele origin: germline.

Illumina Laboratory Services, Illumina
Classification: Benign for Familial encephalopathy with neuroserpin inclusion bodies. Last evaluated: 2018-01-13. Review status: criteria provided, single submitter. Criteria: ICSL Variant Classification Criteria 13 December 2019. Collection method: clinical testing. Allele origin: germline.
Comment: This variant was observed in the ICSL laboratory as part of a predisposition screen in an ostensibly healthy population. It had not been previously curated by ICSL or reported in the Human Gene Mutation Database (HGMD: prior to June 1st, 2018), and was therefore a candidate for classification through an automated scoring system. Utilizing variant allele frequency, disease prevalence and penetrance estimates, and inheritance mode, an automated score was calculated to assess if this variant is too frequent to cause the disease. Based on the score and internal cut-off values, a variant classified as benign is not then subjected to further curation. The score for this variant resulted in a classification of benign for this disease.

NM_001122752.2(SERPINI1):c.404C>T (p.Ala135Val)

Gene: SERPINI1 (serpin family I member 1; plus strand). Cytogenetic location: 3q26.1.
Variant type: single nucleotide variant.
Coding change: c.404C>T on transcript NM_001122752.2 (MANE Select); coding-DNA position 404, C replaced by T.
Protein change: p.Ala135Val; replaces alanine 135 with valine.
Molecular consequence: missense variant.
Genome position (GRCh38, 1-based): chr3:167,790,525, C>T. VCF-style: chr3-167790525-C-T. GRCh37 (hg19) VCF-style: chr3-167508313-C-T.
Other names: c.404C>T, p.Ala135Val (NM_005025.5); short protein forms A135V.
Identifiers: ClinVar variation 344126 (VCV000344126.16), dbSNP rs746127233, ClinGen allele CA2694795.